The following is an entry in ClinVar:

NM_005228.5(EGFR):c.607G>A (p.Gly203Arg)

Gene: EGFR (epidermal growth factor receptor; plus strand). Cytogenetic location: 7p11.2.
Variant type: single nucleotide variant.
Coding change: c.607G>A on transcript NM_005228.5 (MANE Select); coding-DNA position 607, G replaced by A.
Protein change: p.Gly203Arg; replaces glycine 203 with arginine.
Molecular consequence: missense variant. On other transcripts: intron variant (1).
Genome position (GRCh38, 1-based): chr7:55,151,341, G>A. VCF-style: chr7-55151341-G-A. GRCh37 (hg19) VCF-style: chr7-55219034-G-A.
Other names: c.472G>A, p.Gly158Arg (NM_001346897.2, NM_001346899.2); c.607G>A, p.Gly203Arg (NM_001346898.2, NM_201282.2, NM_201283.2 and 1 more transcripts); c.448G>A, p.Gly150Arg (NM_001346900.2); c.89-4489G>A (NM_001346941.2); short protein forms G158R, G150R, G203R.
Identifiers: ClinVar variation 1923506 (VCV001923506.5), dbSNP rs1785140030, ClinGen allele CA367576893.

ClinVar aggregate classification (germline): Uncertain significance (1 of 4 stars; one submission).

Conditions:
EGFR-related lung cancer (EGFR). Identifiers: MedGen CN130014.

Allele frequency attached by ClinVar (database versions not stated): TOPMed below 0.00001.

Submission:

Labcorp Genetics (formerly Invitae), Labcorp
Classification: Uncertain significance for EGFR-related lung cancer. Last evaluated: 2025-11-15. Review status: criteria provided, single submitter. Criteria: Invitae Variant Classification Sherloc (09022015). Collection method: clinical testing. Allele origin: germline.
Comment: This sequence change replaces glycine, which is neutral and non-polar, with arginine, which is basic and polar, at codon 203 of the EGFR protein (p.Gly203Arg). This variant is not present in population databases (gnomAD no frequency). This variant has not been reported in the literature in individuals affected with EGFR-related conditions. ClinVar contains an entry for this variant (Variation ID: 1923506). Invitae Evidence Modeling of protein sequence and biophysical properties (such as structural, functional, and spatial information, amino acid conservation, physicochemical variation, residue mobility, and thermodynamic stability) indicates that this missense variant is not expected to disrupt EGFR protein function with a negative predictive value of 80%. In summary, the available evidence is currently insufficient to determine the role of this variant in disease. Therefore, it has been classified as a Variant of Uncertain Significance.